The following is an entry in ClinVar:

ClinVar aggregate classification (germline): Uncertain significance. Review status: criteria provided, multiple submitters, no conflicts (2 of 4 stars). 2 submissions from 2 submitters: Uncertain significance (2). Last evaluated 2025-08-06.

Allele frequency attached by ClinVar (database versions not stated): gnomAD exomes below 0.00001; gnomAD 0.00001; TOPMed 0.00002.
gnomAD v4.1: 9 of 1,545,476 alleles (0.00058%); highest among the groups gnomAD compares: Admixed American, 0.002%; no homozygotes.

Submissions (2):

Ambry Genetics
Classification: Uncertain significance. Last evaluated: 2025-08-06. Review status: criteria provided, single submitter. Criteria: Ambry Variant Classification Scheme 2023. Collection method: clinical testing. Allele origin: germline.

Labcorp Genetics (formerly Invitae), Labcorp
Classification: Uncertain significance. Last evaluated: 2022-04-29. Review status: criteria provided, single submitter. Criteria: Invitae Variant Classification Sherloc (09022015). Collection method: clinical testing. Allele origin: germline.
Comment: Algorithms developed to predict the effect of missense changes on protein structure and function (SIFT, PolyPhen-2, Align-GVGD) all suggest that this variant is likely to be disruptive. This variant has not been reported in the literature in individuals affected with MYH7B-related conditions. This variant is not present in population databases (gnomAD no frequency). This sequence change replaces arginine, which is basic and polar, with tryptophan, which is neutral and slightly polar, at codon 1190 of the MYH7B protein (p.Arg1190Trp). In summary, the available evidence is currently insufficient to determine the role of this variant in disease. Therefore, it has been classified as a Variant of Uncertain Significance.

NM_020884.7(MYH7B):c.3442C>T (p.Arg1148Trp)

Gene: MYH7B (myosin heavy chain 7B; plus strand). Cytogenetic location: 20q11.22.
Variant type: single nucleotide variant.
Coding change: c.3442C>T on transcript NM_020884.7 (MANE Select); coding-DNA position 3442, C replaced by T.
Protein change: p.Arg1148Trp; replaces arginine 1148 with tryptophan.
Molecular consequence: missense variant.
Genome position (GRCh38, 1-based): chr20:34,997,335, C>T. VCF-style: chr20-34997335-C-T. GRCh37 (hg19) VCF-style: chr20-33585138-C-T.
Other names: c.3568C>T (NM_020884.3); short protein forms R1148W.
Identifiers: ClinVar variation 2172166 (VCV002172166.7), dbSNP rs1158995416, ClinGen allele CA408711120.